The following is an entry in ClinVar:

ClinVar aggregate classification (germline): Conflicting classifications of pathogenicity. Review status: criteria provided, conflicting classifications (1 of 4 stars). 8 submissions from 8 submitters: Pathogenic (1); Likely pathogenic (1); Uncertain significance (4). 2 of the submissions do not count toward it. Last evaluated 2025-12-21.

Conditions:
DNAH5-related disorder. Also called: DNAH5-related condition.
Primary ciliary dyskinesia. Also called: Ciliary dyskinesia. Identifiers: Orphanet 244, MedGen C0008780, MONDO:0016575, HP:0012265.
Primary ciliary dyskinesia 3. Identifiers: Orphanet 244, MedGen C1837618, MONDO:0012085, OMIM 608644.

Allele frequency attached by ClinVar (database versions not stated): gnomAD exomes 0.00003 and 0.00006; ESP Exome Variant Server 0.00008; ExAC 0.00009; gnomAD 0.00026 and 0.00027; TOPMed 0.00026; 1000 Genomes Project 0.00060; 1000 Genomes Project 30x 0.00062.
gnomAD v4.1: 79 of 1,613,796 alleles (0.0049%); highest among the groups gnomAD compares: African/African-American, 0.1%; no homozygotes.

Submissions (9):

GeneDx
Classification: Uncertain significance. Last evaluated: 2025-12-21. Review status: criteria provided, single submitter. Criteria: GeneDx Variant Classification Process June 2021. Collection method: clinical testing. Allele origin: germline. Affected: yes.
Comment: Intronic variant directly or indirectly altering the +5 splice site in a gene for which loss of function is a known mechanism of disease, and splice predictors support a deleterious effect; Has been observed in a cohort of patients from Puerto Rico with primary ciliary dyskinesia but not additional clinical details were specified in this published report (PMID: 35626283); This variant is associated with the following publications: (PMID: 35626283)

Labcorp Genetics (formerly Invitae), Labcorp
Classification: Pathogenic for Primary ciliary dyskinesia. Last evaluated: 2025-08-20. Review status: criteria provided, single submitter. Criteria: Invitae Variant Classification Sherloc (09022015). Collection method: clinical testing. Allele origin: germline.
Comment: This sequence change falls in intron 16 of the DNAH5 gene. It does not directly change the encoded amino acid sequence of the DNAH5 protein. It affects a nucleotide within the consensus splice site. This variant is present in population databases (rs369244905, gnomAD 0.1%). This variant has been observed in individual(s) with clinical features of DNAH5-related conditions (internal data). In at least one individual the data is consistent with being in trans (on the opposite chromosome) from a pathogenic variant. ClinVar contains an entry for this variant (Variation ID: 351201). Variants that disrupt the consensus splice site are a relatively common cause of aberrant splicing (PMID: 17576681, 9536098). Algorithms developed to predict the effect of sequence changes on RNA splicing suggest that this variant may disrupt the consensus splice site. For these reasons, this variant has been classified as Pathogenic.

Women's Health and Genetics/Laboratory Corporation of America, LabCorp
Classification: Uncertain significance. Last evaluated: 2025-05-22. Review status: criteria provided, single submitter. Criteria: LabCorp Variant Classification Summary - May 2015. Collection method: clinical testing. Allele origin: germline.
Comment: Variant summary: DNAH5 c.2431+5G>A alters a conserved nucleotide located close to a canonical splice site and therefore could affect mRNA splicing, leading to a significantly altered protein sequence. Several computational tools predict a significant impact on normal splicing: Three predict the variant abolishes a 5' splicing donor site. One predict the variant weakens a 5' donor site. However, these predictions have yet to be confirmed by functional studies. The variant allele was found at a frequency of 6e-05 in 250908 control chromosomes. This frequency is not significantly higher than estimated for a pathogenic variant in DNAH5 causing Primary ciliary dyskinesia 3, allowing no conclusion about variant significance. c.2431+5G>A has been observed in individuals affected with primary ciliary dyskinesia (e.g., DeJesus-Rojas_2022, internal data). These data indicate that the variant may be associated with disease. To our knowledge, no experimental evidence demonstrating an impact on protein function has been reported. The following publication has been ascertained in the context of this evaluation (PMID: 35626283). ClinVar contains an entry for this variant (Variation ID: 351201). Based on the evidence outlined above, the variant was classified as VUS-possibly pathogenic.

Fulgent Genetics
Classification: Likely pathogenic for Primary ciliary dyskinesia 3. Last evaluated: 2024-04-06. Review status: criteria provided, single submitter. Criteria: ACMG Guidelines, 2015. Collection method: clinical testing. Allele origin: germline.

Blueprint Genetics
Classification: Uncertain significance. Last evaluated: 2022-07-15. Review status: criteria provided, single submitter. Criteria: ACMG Guidelines, 2015. Collection method: clinical testing. Allele origin: germline.

Illumina Laboratory Services, Illumina
Classification: Uncertain significance for Primary ciliary dyskinesia 3. Last evaluated: 2018-01-13. Review status: criteria provided, single submitter. Criteria: ICSL Variant Classification Criteria 13 December 2019. Collection method: clinical testing. Allele origin: germline.

PreventionGenetics, part of Exact Sciences
Classification: Uncertain significance for DNAH5-related condition. Last evaluated: 2024-06-07. Review status: no assertion criteria provided. Collection method: clinical testing. Allele origin: germline. Not counted in ClinVar's aggregate classification.
Comment: The DNAH5 c.2431+5G>A variant is predicted to interfere with splicing. Based on available splicing prediction software, this variant is predicted to impact the exon 16 consensus splice donor site and affect splicing (SpliceAI, Jaganathan et al. 2019. PubMed ID: 30661751). However, prediction programs are imperfect and we cannot be certain of the biological impact of this particular variant. This variant has been reported in an individual undergoing testing for primary ciliary dyskinesia (PCD); although, clinical details of the patient and information on an additional DNAH5 variant were not provided (Table 1, De Jesús-Rojas et al. 2022. PubMed ID: 35626283). This variant is reported in 0.11% of alleles in individuals of African descent in gnomAD. At PreventionGenetics, this variant has been reported, along with an additional DNAH5 variant, in unrelated individuals undergoing PCD testing (Internal Data). Although we suspect that this variant may be pathogenic, at this time, the clinical significance of this variant is uncertain due to the absence of conclusive functional and genetic evidence.

Natera, Inc.
Classification: Uncertain significance for Primary ciliary dyskinesia. Last evaluated: 2020-02-21. Review status: no assertion criteria provided. Collection method: clinical testing. Allele origin: germline. Not counted in ClinVar's aggregate classification.

Dr. Peter K. Rogan Lab, Western University
No classification provided (evidence only). Condition: Familial cancer of breast. Review status: no classification provided. Collection method: in vitro. Allele origin: not applicable. Functional consequence: retained intron. Not counted in ClinVar's aggregate classification.

Literature cited by the submitters: PubMed 17576681 (cited by Labcorp Genetics (formerly Invitae), Labcorp); PubMed 9536098 (cited by Labcorp Genetics (formerly Invitae), Labcorp); PubMed 35626283 (cited by Women's Health and Genetics/Laboratory Corporation of America, LabCorp).

NM_001369.3(DNAH5):c.2431+5G>A

Genes: DNAH5 (dynein axonemal heavy chain 5; minus strand), DNAH5-AS1 (DNAH5 antisense RNA 1; plus strand). Cytogenetic location: 5p15.2.
Variant type: single nucleotide variant.
Coding change: c.2431+5G>A on transcript NM_001369.3 (MANE Select); 5 bases into the intron after coding-DNA position 2431, G replaced by A.
Molecular consequence: intron variant.
Genome position (GRCh38, 1-based): chr5:13,894,645, C>T on the plus strand (G>A on the coding strand, the complement: DNAH5 is on the minus strand). VCF-style: chr5-13894645-C-T. GRCh37 (hg19) VCF-style: chr5-13894754-C-T.
Identifiers: ClinVar variation 351201 (VCV000351201.22), dbSNP rs369244905, ClinGen allele CA3204595.